The following is an entry in ClinVar:

ClinVar aggregate classification (germline): Likely pathogenic (0 of 4 stars; one submission).

Conditions:
FOXC1-related disorder. Also called: FOXC1-related condition.

Submission:

PreventionGenetics, part of Exact Sciences
Classification: Likely pathogenic for FOXC1-related condition. Last evaluated: 2023-11-07. Review status: no assertion criteria provided. Collection method: clinical testing. Allele origin: germline.
Comment: The FOXC1 c.892_898del7 variant is predicted to result in a frameshift and premature protein termination (p.Ser298Argfs*15). To our knowledge, this variant has not been reported in the literature or in a large population database, indicating this variant is rare. Frameshift variants in FOXC1 are expected to be pathogenic. This variant is interpreted as likely pathogenic.

NM_001453.3(FOXC1):c.892_898del (p.Ser298fs)

Gene: FOXC1 (forkhead box C1; plus strand). Cytogenetic location: 6p25.3.
Variant type: Deletion.
Coding change: c.892_898del on transcript NM_001453.3 (MANE Select); coding-DNA positions 892 to 898, 7 bases deleted (TCCGCCC; older notation c.892_898delTCCGCCC).
Protein change: p.Ser298fs; shifts the reading frame from serine 298.
Molecular consequence: frameshift variant.
Genome position (GRCh38, 1-based): chr6:1,611,337-1,611,343, TCCGCCC deleted; deleting any 7 consecutive bases within chr6:1,611,332-1,611,343 gives the same sequence; the c. name uses the placement nearest the transcript's 3' end. VCF-style (leftmost placement, unchanged base first): chr6-1611331-GCGCCCTC-G. GRCh37 (hg19) VCF-style: chr6-1611566-GCGCCCTC-G.
Other names: short protein forms S298fs.
Identifiers: ClinVar variation 3042031 (VCV003042031.2), dbSNP rs2480504570, ClinGen allele CA2740094218.